The following is an entry in ClinVar:

ClinVar aggregate classification (germline): Benign/Likely benign. Review status: criteria provided, multiple submitters, no conflicts (2 of 4 stars). 2 submissions from 2 submitters: Benign (1); Likely benign (1). Last evaluated 2025-03-17.

Conditions:
Pheochromocytoma. Also called: MAX-Related Hereditary Paraganglioma-Pheochromocytoma Syndrome. Identifiers: Orphanet 29072, MedGen C0031511, MONDO:0008233, OMIM 171300, HP:0002666.
Carney-Stratakis syndrome. Also called: PARAGANGLIOMA AND GASTROINTESTINAL STROMAL TUMOR. Identifiers: Orphanet 97286, MedGen C1847319, MONDO:0011740, OMIM 606864.
Cowden syndrome 3 (CWS3). Identifiers: Orphanet 201, MedGen CN166604, MONDO:0014045.
Paragangliomas with sensorineural hearing loss. Identifiers: MedGen C1868633.
Pheochromocytoma/paraganglioma syndrome 1. Also called: PARAGANGLIOMATA; Paragangliomas 1; Glomus tumors familial 1; Paraganglioma - glomus jugulare; SDHD-Related Hereditary Paraganglioma-Pheochromocytoma Syndrome; PARAGANGLIOMAS, FAMILIAL NONCHROMAFFIN, 1. Identifiers: Orphanet 29072, MedGen C3494181, MONDO:0008192, OMIM 168000.

Submissions (2):

Myriad Genetics, Inc.
Classification: Benign for Pheochromocytoma/paraganglioma syndrome 1. Last evaluated: 2025-03-17. Review status: criteria provided, single submitter. Criteria: Myriad Autosomal Dominant, Autosomal Recessive and X-Linked Classification Criteria (2023). Collection method: clinical testing. Allele origin: unknown.
Comment: This variant is considered benign. This variant is a silent/synonymous amino acid change and it is not expected to impact splicing.

Labcorp Genetics (formerly Invitae), Labcorp
Classification: Likely benign for Carney-Stratakis syndrome; Paragangliomas with sensorineural hearing loss; Pheochromocytoma; Cowden syndrome 3. Last evaluated: 2023-02-20. Review status: criteria provided, single submitter. Criteria: Invitae Variant Classification Sherloc (09022015). Collection method: clinical testing. Allele origin: germline.

NM_003002.4(SDHD):c.78C>T (p.Val26=)

Gene: SDHD (succinate dehydrogenase complex subunit D; plus strand). Cytogenetic location: 11q23.1.
Variant type: single nucleotide variant.
Coding change: c.78C>T on transcript NM_003002.4 (MANE Select); coding-DNA position 78, C replaced by T.
Protein change: p.Val26=; no amino-acid change (valine 26 retained).
Molecular consequence: synonymous variant. On other transcripts: non-coding transcript variant (1), intron variant (1).
Genome position (GRCh38, 1-based): chr11:112,087,882, C>T. VCF-style: chr11-112087882-C-T. GRCh37 (hg19) VCF-style: chr11-111958606-C-T.
Other names: c.78C>T, p.Val26= (NM_001276503.2, NM_001276506.2); c.52+923C>T (NM_001276504.2).
Identifiers: ClinVar variation 2944527 (VCV002944527.4), dbSNP rs2498899655, ClinGen allele CA476789515.